The following is an entry in ClinVar:

NM_138713.4(NFAT5):c.1005+3A>G

Gene: NFAT5 (nuclear factor of activated T cells 5; plus strand). Cytogenetic location: 16q22.1.
Variant type: single nucleotide variant.
Coding change: c.1005+3A>G on transcript NM_138713.4 (MANE Select); 3 bases into the intron after coding-DNA position 1005, A replaced by G.
Molecular consequence: intron variant.
Genome position (GRCh38, 1-based): chr16:69,653,431, A>G. VCF-style: chr16-69653431-A-G. GRCh37 (hg19) VCF-style: chr16-69687334-A-G.
Other names: c.723+3A>G (NM_138714.4, NM_173214.3, NM_173215.3); c.1005+3A>G (NM_001113178.3); c.951+3A>G (NM_006599.4); c.333+3A>G (NM_001367709.1).
Identifiers: ClinVar variation 1386725 (VCV001386725.6), dbSNP rs2151633054, ClinGen allele CA2573152628.
Genomic context (GRCh38, chr16:69,653,431, plus strand): 5'-TGAGGGCAGCCGTGGCTCAGTGAAAGATAGAACACAGCAAGGCTTTCCTACAGTAAAGGT[A>G]TTTACTTTATTTATCATTTGAATTTTAGTTAAAATGTAAAGGGGAATGAGAATATGTCCT-3'

ClinVar aggregate classification (germline): Uncertain significance (1 of 4 stars; one submission).

Conditions:
Immunodeficiency. Identifiers: MedGen C0021051, MONDO:0021094, HP:0002721.

Submission:

Labcorp Genetics (formerly Invitae), Labcorp
Classification: Uncertain significance for Immunodeficiency. Last evaluated: 2024-10-25. Review status: criteria provided, single submitter. Criteria: Invitae Variant Classification Sherloc (09022015). Collection method: clinical testing. Allele origin: germline.
Comment: This sequence change falls in intron 6 of the NFAT5 gene. It does not directly change the encoded amino acid sequence of the NFAT5 protein. It affects a nucleotide within the consensus splice site. This variant is not present in population databases (gnomAD no frequency). This variant has not been reported in the literature in individuals affected with NFAT5-related conditions. ClinVar contains an entry for this variant (Variation ID: 1386725). Variants that disrupt the consensus splice site are a relatively common cause of aberrant splicing (PMID: 17576681, 9536098). Algorithms developed to predict the effect of sequence changes on RNA splicing suggest that this variant is not likely to affect RNA splicing. In summary, the available evidence is currently insufficient to determine the role of this variant in disease. Therefore, it has been classified as a Variant of Uncertain Significance.

Literature cited by the submitters: PubMed 17576681; PubMed 9536098.